The following is an entry in ClinVar:

NM_144573.4(NEXN):c.1084A>T (p.Lys362Ter)

Gene: NEXN (nexilin F-actin binding protein; plus strand). Cytogenetic location: 1p31.1.
Variant type: single nucleotide variant.
Coding change: c.1084A>T on transcript NM_144573.4 (MANE Select); coding-DNA position 1084, A replaced by T.
Protein change: p.Lys362Ter; replaces lysine 362 with a stop codon.
Molecular consequence: nonsense.
Genome position (GRCh38, 1-based): chr1:77,933,312, A>T. VCF-style: chr1-77933312-A-T. GRCh37 (hg19) VCF-style: chr1-78398997-A-T.
Other names: c.892A>T, p.Lys298Ter (NM_001172309.2); short protein forms K298*, K362*.
Identifiers: ClinVar variation 2132590 (VCV002132590.5), dbSNP rs779386334, ClinGen allele CA340876615.

ClinVar aggregate classification (germline): Pathogenic/Likely pathogenic. Review status: criteria provided, multiple submitters, no conflicts (2 of 4 stars). 2 submissions from 2 submitters: Pathogenic (1); Likely pathogenic (1). Last evaluated 2026-08-06.

Conditions:
Dilated cardiomyopathy 1CC (CMD1CC). Identifiers: Orphanet 154, MedGen C2751084, MONDO:0013147, OMIM 613122.
Hypertrophic cardiomyopathy 20. Identifiers: MedGen C3151267, MONDO:0013477, OMIM 613876.

Submissions (2):

OLLIN Analises Genomicas, OLLIN
Classification: Likely pathogenic for Hypertrophic cardiomyopathy 20. Last evaluated: 2026-08-06. Review status: criteria provided, single submitter. Criteria: ACMG Guidelines 2015 PMID 25741868. Collection method: clinical testing. Allele origin: germline.
Comment: This nonsense variant, located in exon 10 (of 13), is absent from gnomAD and has not been identified in the literature. However, it has been reported in ClinVar (accession VCV002132590.4). This variant introduces a premature stop codon, which is predicted to result in either a truncated protein or degradation of the mRNA via nonsense-mediated decay (NMD). According to the currently available evidence, this variant has been classified as likely pathogenic (PVS1, PM2_P).

Labcorp Genetics (formerly Invitae), Labcorp
Classification: Pathogenic for Dilated cardiomyopathy 1CC; Hypertrophic cardiomyopathy 20. Last evaluated: 2026-01-15. Review status: criteria provided, single submitter. Criteria: Invitae Variant Classification Sherloc (09022015). Collection method: clinical testing. Allele origin: germline.
Comment: This sequence change creates a premature translational stop signal (p.Lys362*) in the NEXN gene. It is expected to result in an absent or disrupted protein product. Loss-of-function variants in NEXN are known to be pathogenic (PMID: 19881492, 32058062, 32814711, 32870709, 33949776, 38059363, 40680702). This variant is not present in population databases (gnomAD no frequency). This variant has not been reported in the literature in individuals affected with NEXN-related conditions. ClinVar contains an entry for this variant (Variation ID: 2132590). For these reasons, this variant has been classified as Pathogenic.

Literature cited by the submitters: PubMed 19881492 (cited by Labcorp Genetics (formerly Invitae), Labcorp); PubMed 32058062 (cited by Labcorp Genetics (formerly Invitae), Labcorp); PubMed 32814711 (cited by Labcorp Genetics (formerly Invitae), Labcorp); PubMed 32870709 (cited by Labcorp Genetics (formerly Invitae), Labcorp); PubMed 33949776 (cited by Labcorp Genetics (formerly Invitae), Labcorp); PubMed 38059363 (cited by Labcorp Genetics (formerly Invitae), Labcorp); PubMed 40680702 (cited by Labcorp Genetics (formerly Invitae), Labcorp).